The following is an entry in ClinVar:

NM_014639.4(SKIC3):c.3500C>A (p.Ala1167Glu)

Gene: SKIC3 (SKI3 subunit of superkiller complex; minus strand). Cytogenetic location: 5q15.
Variant type: single nucleotide variant.
Coding change: c.3500C>A on transcript NM_014639.4 (MANE Select); coding-DNA position 3500, C replaced by A.
Protein change: p.Ala1167Glu; replaces alanine 1167 with glutamic acid.
Molecular consequence: missense variant.
Genome position (GRCh38, 1-based): chr5:95,498,433, G>T on the plus strand (C>A on the coding strand, the complement: SKIC3 is on the minus strand). VCF-style: chr5-95498433-G-T. GRCh37 (hg19) VCF-style: chr5-94834137-G-T.
Other names: short protein forms A1167E.
Identifiers: ClinVar variation 2011135 (VCV002011135.4), dbSNP rs1437675098, ClinGen allele CA360450682.

ClinVar aggregate classification (germline): Uncertain significance (1 of 4 stars; one submission).

gnomAD v4.1: 1 of 1,614,096 alleles (0.000062%); highest among the groups gnomAD compares: Non-Finnish European, 0.000085%; no homozygotes.

Submission:

Labcorp Genetics (formerly Invitae), Labcorp
Classification: Uncertain significance. Last evaluated: 2022-06-26. Review status: criteria provided, single submitter. Criteria: Invitae Variant Classification Sherloc (09022015). Collection method: clinical testing. Allele origin: germline.
Comment: In summary, the available evidence is currently insufficient to determine the role of this variant in disease. Therefore, it has been classified as a Variant of Uncertain Significance. Algorithms developed to predict the effect of missense changes on protein structure and function are either unavailable or do not agree on the potential impact of this missense change (SIFT: "Tolerated"; PolyPhen-2: "Possibly Damaging"; Align-GVGD: "Class C0"). This variant has not been reported in the literature in individuals affected with TTC37-related conditions. This variant is not present in population databases (gnomAD no frequency). This sequence change replaces alanine, which is neutral and non-polar, with glutamic acid, which is acidic and polar, at codon 1167 of the TTC37 protein (p.Ala1167Glu).